The following is an entry in ClinVar:

NM_001040108.2(MLH3):c.22G>C (p.Glu8Gln)

Gene: MLH3 (mutL homolog 3; minus strand). Cytogenetic location: 14q24.3.
Variant type: single nucleotide variant.
Coding change: c.22G>C on transcript NM_001040108.2 (MANE Select); coding-DNA position 22, G replaced by C.
Protein change: p.Glu8Gln; replaces glutamic acid 8 with glutamine.
Molecular consequence: missense variant.
Genome position (GRCh38, 1-based): chr14:75,049,634, C>G on the plus strand (G>C on the coding strand, the complement: MLH3 is on the minus strand). VCF-style: chr14-75049634-C-G. GRCh37 (hg19) VCF-style: chr14-75516337-C-G.
Other names: c.22G>C, p.Glu8Gln (NM_014381.3); short protein forms E8Q.
Identifiers: ClinVar variation 1789269 (VCV001789269.3), dbSNP rs2139615209, ClinGen allele CA390452766.

ClinVar aggregate classification (germline): Uncertain significance (1 of 4 stars; one submission).

Submission:

Ambry Genetics
Classification: Uncertain significance. Last evaluated: 2025-04-17. Review status: criteria provided, single submitter. Criteria: Ambry Variant Classification Scheme 2023. Collection method: clinical testing. Allele origin: germline.
Comment: The p.E8Q variant (also known as c.22G>C), located in coding exon 1 of the MLH3 gene, results from a G to C substitution at nucleotide position 22. The glutamic acid at codon 8 is replaced by glutamine, an amino acid with highly similar properties. This amino acid position is conserved. In addition, the in silico prediction for this alteration is inconclusive. Since supporting evidence is limited at this time, the clinical significance of this alteration remains unclear.